The following is an entry in ClinVar:

NM_014712.3(SETD1A):c.1201A>G (p.Thr401Ala)

Gene: SETD1A (SET domain containing 1A, histone lysine methyltransferase; plus strand). Cytogenetic location: 16p11.2.
Variant type: single nucleotide variant.
Coding change: c.1201A>G on transcript NM_014712.3 (MANE Select); coding-DNA position 1201, A replaced by G.
Protein change: p.Thr401Ala; replaces threonine 401 with alanine.
Molecular consequence: missense variant.
Genome position (GRCh38, 1-based): chr16:30,964,943, A>G. VCF-style: chr16-30964943-A-G. GRCh37 (hg19) VCF-style: chr16-30976264-A-G.
Other names: c.1201A>G (NM_014712.1); short protein forms T401A.
Identifiers: ClinVar variation 3250825 (VCV003250825.19), dbSNP rs2056116128.

ClinVar aggregate classification (germline): Uncertain significance. Review status: criteria provided, multiple submitters, no conflicts (2 of 4 stars). 2 submissions from 2 submitters: Uncertain significance (2). Last evaluated 2024-06-28.

Conditions:
Inborn genetic diseases. Identifiers: MedGen C0950123, MeSH D030342.

Allele frequency attached by ClinVar (database versions not stated): gnomAD exomes below 0.00001; TOPMed below 0.00001.
gnomAD v4.1: 2 of 1,614,056 alleles (0.00012%); highest among the groups gnomAD compares: Non-Finnish European, 0.000085%; no homozygotes.

Submissions (2):

Ambry Genetics
Classification: Uncertain significance for Inborn genetic diseases. Last evaluated: 2024-06-28. Review status: criteria provided, single submitter. Criteria: Ambry Variant Classification Scheme 2023. Collection method: clinical testing. Allele origin: germline.

CeGaT Center for Human Genetics Tuebingen
Classification: Uncertain significance. Last evaluated: 2024-06-01. Review status: criteria provided, single submitter. Criteria: CeGaT Center For Human Genetics Tuebingen Variant Classification Criteria Version 2. Collection method: clinical testing. Allele origin: germline. Affected: yes. Observed: 1 variant allele.
Comment: SETD1A: PM2:Supporting